The following is an entry in ClinVar:

ClinVar aggregate classification (germline): Pathogenic/Likely pathogenic. Review status: criteria provided, multiple submitters, no conflicts (2 of 4 stars). 7 submissions from 7 submitters: Pathogenic (2); Likely pathogenic (4). 1 of the submissions does not count toward it. Last evaluated 2025-03-17.

Conditions:
FANCA-related disorder. Also called: FANCA-related condition.
Fanconi anemia (FA). Also called: Fanconi's anemia. Identifiers: Orphanet 84, MedGen C0015625, MeSH D005199, MONDO:0019391.
Fanconi anemia complementation group A (FANCA). Also called: Fanconi anemia, group A; FANCA-Related Fanconi Anemia. Identifiers: Orphanet 84, MedGen C3469521, MONDO:0009215, OMIM 227650.

Allele frequency attached by ClinVar (database versions not stated): gnomAD exomes below 0.00001.
gnomAD v4.1: 1 of 1,606,724 alleles (0.000062%); highest among the groups gnomAD compares: African/African-American, 0.0013%; no homozygotes.

Submissions (7):

Myriad Genetics, Inc.
Classification: Pathogenic for Fanconi anemia complementation group A. Last evaluated: 2025-03-17. Review status: criteria provided, single submitter. Criteria: Myriad Autosomal Dominant, Autosomal Recessive and X-Linked Classification Criteria (2023). Collection method: clinical testing. Allele origin: unknown.
Comment: NM_000135.2(FANCA):c.1470+2T>C is a variant in a canonical splice site classified as pathogenic in the context of Fanconi anemia complementation group A. c.1470+2T>C has been observed in a case with relevant disease (PMID: 29098742). Relevant functional assessments of this variant are not available in the literature. c.1470+2T>C has not been observed in referenced population frequency databases. In summary, NM_000135.2(FANCA):c.1470+2T>C is a variant in a canonical splice site in a gene where loss of function is a known mechanism of disease, is predicted to disrupt protein function, and has been observed more frequently in cases with the relevant disease than in healthy populations. Please note: this variant was assessed in the context of healthy population screening.

Natera, Inc.
Classification: Likely pathogenic for Fanconi anemia. Last evaluated: 2025-01-31. Review status: criteria provided, single submitter. Criteria: Natera Variant Classification Schema (03/2026). Collection method: clinical testing. Allele origin: germline.
Comment: The c.1470+2T>C variant in FANCA is a canonical splice donor site variant predicted to affect pre-mRNA splicing, which may result in an abnormal transcript and altered protein product. This variant may result in a truncated or dysfunctional protein product. This variant is rare in the general population with a frequency below the threshold expected for the associated phenotype(s). This variant has been observed in one or more individuals affected with the associated recessive disease, as either homozygous or compound heterozygous with a second variant (PMID: 29098742). Given the available evidence, this variant is classified as Likely Pathogenic.

Labcorp Genetics (formerly Invitae), Labcorp
Classification: Likely pathogenic for Fanconi anemia. Last evaluated: 2024-11-04. Review status: criteria provided, single submitter. Criteria: Invitae Variant Classification Sherloc (09022015). Collection method: clinical testing. Allele origin: germline.
Comment: This sequence change affects a donor splice site in intron 15 of the FANCA gene. It is expected to disrupt RNA splicing. Variants that disrupt the donor or acceptor splice site typically lead to a loss of protein function (PMID: 16199547), and loss-of-function variants in FANCA are known to be pathogenic (PMID: 19367192). This variant is not present in population databases (gnomAD no frequency). Disruption of this splice site has been observed in individual(s) with Fanconi anemia (PMID: 29098742). ClinVar contains an entry for this variant (Variation ID: 945192). Algorithms developed to predict the effect of sequence changes on RNA splicing suggest that this variant may disrupt the consensus splice site. In summary, the currently available evidence indicates that the variant is pathogenic, but additional data are needed to prove that conclusively. Therefore, this variant has been classified as Likely Pathogenic.

Baylor Genetics
Classification: Pathogenic for Fanconi anemia complementation group A. Last evaluated: 2023-04-02. Review status: criteria provided, single submitter. Criteria: ACMG Guidelines, 2015. Collection method: clinical testing. Allele origin: unknown.

Fulgent Genetics
Classification: Likely pathogenic for Fanconi anemia complementation group A. Last evaluated: 2022-04-26. Review status: criteria provided, single submitter. Criteria: ACMG Guidelines, 2015. Collection method: clinical testing. Allele origin: unknown.

Sema4
Classification: Likely pathogenic for Fanconi anemia. Last evaluated: 2022-03-04. Review status: criteria provided, single submitter. Criteria: Sema4 Curation Guidelines. Collection method: curation. Allele origin: germline.
Comment: The FANCA c.1470+2T>C variant has been reported in the compound heterozygous state in at least one individual with Fanconi anemia (PMID: 29098742). This variant affects a nucleotide within a consensus splice site of an intron and may thus cause exon skipping, intron retention or use of a cryptic splice site. Loss of function variants in FANCA are known to be pathogenic (PMID: 19367192). This variant is not present in the Genome Aggregation Database (PMID: 32461654). This variant has been reported in ClinVar (Variation ID: 945192). Based on the current evidence available, this variant is interpreted as likely pathogenic.

PreventionGenetics, part of Exact Sciences
Classification: Pathogenic for FANCA-related condition. Last evaluated: 2024-07-30. Review status: no assertion criteria provided. Collection method: clinical testing. Allele origin: germline. Not counted in ClinVar's aggregate classification.
Comment: The FANCA c.1470+2T>C variant is predicted to disrupt the GT donor site and interfere with normal splicing. This variant has been reported in the compound heterozygous state in an individual with Fanconi anemia (Kimble et al. 2018. PubMed ID: 29098742). This variant has not been reported in a large population database, indicating this variant is rare. Variants that disrupt the consensus splice donor site in FANCA are expected to be pathogenic. This variant is interpreted as pathogenic.

Literature cited by the submitters: PubMed 29098742 (cited by 4 submitters); PubMed 16199547 (cited by Labcorp Genetics (formerly Invitae), Labcorp); PubMed 19367192 (cited by Labcorp Genetics (formerly Invitae), Labcorp and Sema4).

NM_000135.4(FANCA):c.1470+2T>C

Gene: FANCA (FA complementation group A; minus strand). Cytogenetic location: 16q24.3.
Variant type: single nucleotide variant.
Coding change: c.1470+2T>C on transcript NM_000135.4 (MANE Select); the canonical splice donor site of the intron after coding-DNA position 1470, T replaced by C.
Molecular consequence: splice donor variant.
Genome position (GRCh38, 1-based): chr16:89,784,852, A>G on the plus strand (T>C on the coding strand, the complement: FANCA is on the minus strand). VCF-style: chr16-89784852-A-G. GRCh37 (hg19) VCF-style: chr16-89851260-A-G.
Other names: c.1470+2T>C (NM_000135.3, NM_001286167.3).
Identifiers: ClinVar variation 945192 (VCV000945192.16), dbSNP rs2039844134, ClinGen allele CA397459553.